The following is an entry in ClinVar:

ClinVar aggregate classification (germline): Pathogenic (1 of 4 stars; one submission).

Submission:

Labcorp Genetics (formerly Invitae), Labcorp
Classification: Pathogenic. Last evaluated: 2024-01-09. Review status: criteria provided, single submitter. Criteria: Invitae Variant Classification Sherloc (09022015). Collection method: clinical testing. Allele origin: unknown.
Comment: This variant is a gross deletion of the genomic region encompassing exon(s) 14 of the EYS gene. This deletion is out-of-frame, and is expected to create a premature termination codon and result in an absent or disrupted protein product. Loss-of-function variants in EYS are known to be pathogenic (PMID: 18836446, 20333770). A similar copy number variant has been observed in individual(s) with retinitis pigmentosa (PMID: 25097241). For these reasons, this variant has been classified as Pathogenic.

Literature cited by the submitters: PubMed 18836446; PubMed 20333770; PubMed 25097241.

NC_000006.11:g.(?_65707455)_(65707616_?)del

Gene: EYS (eyes shut homolog; minus strand). Cytogenetic location: 6q12.
Variant type: Deletion.
Identifiers: ClinVar variation 3246089 (VCV003246089.1).